The following is an entry in ClinVar:

NM_033004.4(NLRP1):c.4114C>A (p.Pro1372Thr)

Gene: NLRP1 (NLR family pyrin domain containing 1; minus strand). Cytogenetic location: 17p13.2.
Variant type: single nucleotide variant.
Coding change: c.4114C>A on transcript NM_033004.4 (MANE Select); coding-DNA position 4114, C replaced by A.
Protein change: p.Pro1372Thr; replaces proline 1372 with threonine.
Molecular consequence: missense variant. On other transcripts: intron variant (1).
Genome position (GRCh38, 1-based): chr17:5,515,062, G>T on the plus strand (C>A on the coding strand, the complement: NLRP1 is on the minus strand). VCF-style: chr17-5515062-G-T. GRCh37 (hg19) VCF-style: chr17-5418382-G-T.
Other names: c.3982C>A, p.Pro1328Thr (NM_014922.5); c.4024C>A, p.Pro1342Thr (NM_033006.4); c.3892C>A, p.Pro1298Thr (NM_033007.4); c.4069+2684C>A (NM_001033053.3); short protein forms P1372T, P1298T, P1342T, P1328T.
Identifiers: ClinVar variation 4714185 (VCV004714185.1).
Genomic context (GRCh38, chr17:5,515,062, plus strand): 5'-GGGCTATCAGCTGCTCTCGATACTGGTCCACAAAGTGCAGCAACTGCGGGGCATCCAGAG[G>T]TGAAGGTACGGCTGGCAACGAACAAAGAAGGGCTCCAACCACAGCCTCCACCTCCAATCC-3'
Protein context (NP_127497.1, residues 1362-1382): IPPARIAVPS[Pro1372Thr]LDAPQLLHFV

ClinVar aggregate classification (germline): Uncertain significance (1 of 4 stars; one submission).

Submission:

Labcorp Genetics (formerly Invitae), Labcorp
Classification: Uncertain significance. Last evaluated: 2025-03-04. Review status: criteria provided, single submitter. Criteria: Invitae Variant Classification Sherloc (09022015). Collection method: clinical testing. Allele origin: germline.
Comment: This sequence change replaces proline, which is neutral and non-polar, with threonine, which is neutral and polar, at codon 1372 of the NLRP1 protein (p.Pro1372Thr). This variant is not present in population databases (gnomAD no frequency). This variant has not been reported in the literature in individuals affected with NLRP1-related conditions. An algorithm developed to predict the effect of missense changes on protein structure and function (PolyPhen-2) suggests that this variant is likely to be tolerated. In summary, the available evidence is currently insufficient to determine the role of this variant in disease. Therefore, it has been classified as a Variant of Uncertain Significance.